The following is an entry in ClinVar:

ClinVar aggregate classification (germline): Uncertain significance. Review status: criteria provided, multiple submitters, no conflicts (2 of 4 stars). 8 submissions from 8 submitters: Uncertain significance (7). 1 of the submissions does not count toward it. Last evaluated 2026-09-14.

Conditions:
ACTC1-related disorder. Also called: ACTC1-related condition.
Cardiovascular phenotype. Identifiers: MedGen CN230736.
Atrial septal defect 5 (ASD5). Identifiers: Orphanet 1478, MedGen C2748552, MONDO:0013011, OMIM 612794.
Hypertrophic cardiomyopathy 11. Also called: ACTC1-Related Familial Hypertrophic Cardiomyopathy. Identifiers: MedGen C2677506, MONDO:0012799, OMIM 612098.
Dilated cardiomyopathy 1R (CMD1R). Identifiers: Orphanet 154, Orphanet 54260, MedGen C3150681, MONDO:0013261, OMIM 613424.
Cardiomyopathy (CMYO). Also called: Cardiomyopathies. Identifiers: Orphanet 167848, MedGen C0878544, MONDO:0004994, HP:0001638. Inheritance: Various modes of inheritance.

Allele frequency attached by ClinVar (database versions not stated): ExAC 0.00001; gnomAD exomes 0.00001; TOPMed 0.00002; gnomAD 0.00003 and 0.00004.

Submissions (8):

PreventionGenetics, part of Exact Sciences
Classification: Uncertain significance for ACTC1-related condition. Last evaluated: 2026-09-14. Review status: criteria provided, single submitter. Criteria: ACMG Guidelines, 2015. Collection method: clinical testing. Allele origin: germline.
Comment: The ACTC1 c.56_57insCA variant is predicted to result in a frameshift and premature protein termination (p.Lys20Argfs*38). This variant has been reported in a cohort of individuals with atrial fibrillation (eTable 2, Yoneda et al. 2021. PubMed ID: 34495297). This variant is reported in 0.013% of alleles in individuals of European (Non-Finnish) descent in gnomAD. Loss of function is not an established mechanism of ACTC1-related disease. At this time, the clinical significance of this variant is uncertain due to the absence of conclusive functional and genetic evidence.

Labcorp Genetics (formerly Invitae), Labcorp
Classification: Uncertain significance for Dilated cardiomyopathy 1R; Hypertrophic cardiomyopathy 11; Atrial septal defect 5. Last evaluated: 2026-01-27. Review status: criteria provided, single submitter. Criteria: Invitae Variant Classification Sherloc (09022015). Collection method: clinical testing. Allele origin: germline.
Comment: This sequence change creates a premature translational stop signal (p.Lys20Argfs*38) in the ACTC1 gene. It is expected to result in an absent or disrupted protein product. However, the current clinical and genetic evidence is not sufficient to establish whether loss-of-function variants in ACTC1 cause disease. This variant is present in population databases (rs730880387, gnomAD 0.002%). This premature translational stop signal has been observed in individual(s) with atrial fibrillation (PMID: 34495297). ClinVar contains an entry for this variant (Variation ID: 180752). In summary, the available evidence is currently insufficient to determine the role of this variant in disease. Therefore, it has been classified as a Variant of Uncertain Significance.

Color Diagnostics, LLC DBA Color Health
Classification: Uncertain significance for Cardiomyopathy. Last evaluated: 2025-05-21. Review status: criteria provided, single submitter. Criteria: ACMG Guidelines, 2015. Collection method: clinical testing. Allele origin: germline.
Comment: This variant inserts 2 nucleotides in exon 2 of the ACTC1 gene, creating a frameshift and premature translation stop signal. This variant is expected to result in an absent or non-functional protein product. To our knowledge, this variant has not been reported in individuals affected with ACTC1-related disorders in the literature. Clinical relevance of loss-of-function ACTC1 truncation variants in autosomal dominant cardiovascular disorders is not clearly established. This variant has been identified in 2/31378 chromosomes in the general population by the Genome Aggregation Database (gnomAD). The available evidence is insufficient to determine the role of this variant in disease conclusively. Therefore, this variant is classified as a Variant of Uncertain Significance.

Mayo Clinic Laboratories, Mayo Clinic
Classification: Uncertain significance. Last evaluated: 2024-01-11. Review status: criteria provided, single submitter. Criteria: ACMG Guidelines, 2015. Collection method: clinical testing. Allele origin: germline. Observed: 1 variant allele.

Ambry Genetics
Classification: Uncertain significance for Cardiovascular phenotype. Last evaluated: 2023-09-15. Review status: criteria provided, single submitter. Criteria: Ambry Variant Classification Scheme 2023. Collection method: clinical testing. Allele origin: germline.
Comment: The c.56_57insCA variant, located in coding exon 1 of the ACTC1 gene, results from an insertion of two nucleotides at position 56, causing a translational frameshift with a predicted alternate stop codon (p.K20Rfs*38). This alteration is expected to result in loss of function by premature protein truncation or nonsense-mediated mRNA decay. However, loss of function of ACTC1 has not been clearly established as a mechanism of disease. Since supporting evidence is limited at this time, the clinical significance of this alteration remains unclear.

AiLife Diagnostics
Classification: Uncertain significance. Last evaluated: 2022-01-26. Review status: criteria provided, single submitter. Criteria: ACMG Guidelines, 2015. Collection method: clinical testing. Allele origin: germline. Affected: yes. Observed: 3 variant alleles.

Fulgent Genetics
Classification: Uncertain significance for Hypertrophic cardiomyopathy 11; Atrial septal defect 5; Dilated cardiomyopathy 1R. Last evaluated: 2021-10-28. Review status: criteria provided, single submitter. Criteria: ACMG Guidelines, 2015. Collection method: clinical testing. Allele origin: unknown.

Clinical Molecular Genetics Laboratory, Johns Hopkins All Children's Hospital
Classification: Uncertain significance. Last evaluated: 2015-07-29. Review status: no assertion criteria provided. Collection method: clinical testing. Allele origin: germline. Not counted in ClinVar's aggregate classification.

Literature cited by the submitters: PubMed 34495297 (cited by Labcorp Genetics (formerly Invitae), Labcorp and Mayo Clinic Laboratories, Mayo Clinic); PubMed 36129056 (cited by Mayo Clinic Laboratories, Mayo Clinic).

NM_005159.5(ACTC1):c.56_57insCA (p.Lys20fs)

Genes: ACTC1 (actin alpha cardiac muscle 1; minus strand), GJD2-DT (GJD2 divergent transcript; plus strand). Cytogenetic location: 15q14.
Variant type: Insertion.
Coding change: c.56_57insCA on transcript NM_005159.5 (MANE Select); coding-DNA positions 56 to 57, CA inserted.
Protein change: p.Lys20fs; shifts the reading frame from lysine 20.
Molecular consequence: frameshift variant.
Genome position: GRCh38 VCF-style: chr15-34794752-C-CTG. GRCh37 (hg19) VCF-style: chr15-35086953-C-CTG.
Other names: p.Lys20Argfs*38; c.56_57insCA (LRG_388t1); short protein forms K20fs.
Identifiers: ClinVar variation 180752 (VCV000180752.17), dbSNP rs730880387, ClinGen allele CA019832.